The following is an entry in ClinVar:

ClinVar aggregate classification (germline): Benign/Likely benign. Review status: criteria provided, multiple submitters, no conflicts (2 of 4 stars). 8 submissions from 8 submitters: Benign (2); Likely benign (4). 2 of the submissions do not count toward it. Last evaluated 2026-09-01.

Conditions:
Multiple congenital anomalies-hypotonia-seizures syndrome 3 (MCAHS3). Also called: GLYCOSYLPHOSPHATIDYLINOSITOL BIOSYNTHESIS DEFECT 7. Identifiers: Orphanet 369837, MedGen C3809356, MONDO:0014165, OMIM 615398.

Allele frequency attached by ClinVar (database versions not stated): 1000 Genomes Project 30x 0.00016; 1000 Genomes Project 0.00020; gnomAD exomes 0.00151 and 0.00252; TOPMed 0.00159; ExAC 0.00163; gnomAD 0.00186 and 0.00193; ESP Exome Variant Server 0.00215.
gnomAD v4.1: 3,908 of 1,611,642 alleles (0.24%); highest among the groups gnomAD compares: Non-Finnish European, 0.3%; 9 homozygotes.

Submissions (8):

CeGaT Center for Human Genetics Tuebingen
Classification: Likely benign. Last evaluated: 2026-09-01. Review status: criteria provided, single submitter. Criteria: CeGaT Center For Human Genetics Tuebingen Variant Classification Criteria Version 2. Collection method: clinical testing. Allele origin: germline. Affected: yes. Observed: 21 variant alleles.
Comment: PIGT: BP4, BP7

Labcorp Genetics (formerly Invitae), Labcorp
Classification: Benign for Multiple congenital anomalies-hypotonia-seizures syndrome 3. Last evaluated: 2026-01-15. Review status: criteria provided, single submitter. Criteria: Invitae Variant Classification Sherloc (09022015). Collection method: clinical testing. Allele origin: germline.

Blueprint Genetics
Classification: Likely benign. Last evaluated: 2024-11-27. Review status: criteria provided, single submitter. Criteria: ACMG Guidelines, 2015. Collection method: clinical testing. Allele origin: germline.

ARUP Laboratories, Molecular Genetics and Genomics, ARUP Laboratories
Classification: Benign. Last evaluated: 2024-07-16. Review status: criteria provided, single submitter. Criteria: ARUP Molecular Germline Variant Investigation Process 2024. Collection method: clinical testing. Allele origin: germline.

GeneDx
Classification: Likely benign. Last evaluated: 2019-08-15. Review status: criteria provided, single submitter. Criteria: GeneDx Variant Classification Process June 2021. Collection method: clinical testing. Allele origin: germline. Affected: yes.

Breakthrough Genomics
Classification: Likely benign. Review status: criteria provided, single submitter. Criteria: ACMG Guidelines, 2015. Collection method: not provided. Allele origin: germline. Inheritance: Autosomal recessive inheritance. Affected: yes.

Clinical Genetics DNA and cytogenetics Diagnostics Lab, Erasmus MC, Erasmus Medical Center
Classification: Likely benign. Review status: no assertion criteria provided. Collection method: clinical testing. Allele origin: germline. Affected: yes. Study: VKGL Data-share Consensus. Not counted in ClinVar's aggregate classification.

Genome Diagnostics Laboratory, University Medical Center Utrecht
Classification: Likely benign. Review status: no assertion criteria provided. Collection method: clinical testing. Allele origin: germline. Affected: yes. Study: VKGL Data-share Consensus. Not counted in ClinVar's aggregate classification.

NM_015937.6(PIGT):c.675T>C (p.Val225=)

Gene: PIGT (phosphatidylinositol glycan anchor biosynthesis class T; plus strand). Cytogenetic location: 20q13.12.
Variant type: single nucleotide variant.
Coding change: c.675T>C on transcript NM_015937.6 (MANE Select); coding-DNA position 675, T replaced by C.
Protein change: p.Val225=; no amino-acid change (valine 225 retained).
Molecular consequence: synonymous variant. On other transcripts: non-coding transcript variant (5).
Genome position (GRCh38, 1-based): chr20:45,419,584, T>C. VCF-style: chr20-45419584-T-C. GRCh37 (hg19) VCF-style: chr20-44048224-T-C.
Other names: c.507T>C, p.Val169= (NM_001184728.3); c.675T>C, p.Val225= (NM_001184729.3); c.369T>C, p.Val123= (NM_001184730.3).
Identifiers: ClinVar variation 791752 (VCV000791752.49), dbSNP rs147475258, ClinGen allele CA9877994.
Genomic context (GRCh38, chr20:45,419,584, plus strand): 5'-GAAGGCAGATCGCTTGTTCCACACCAGCTACCACTCCCAGGCAGTGCATATCCGCCCTGT[T>C]TGCAGAGTAAGTCATGGGGAGTAGAGGAAGCTGCCATCCAGGGGCTCAGAGAAGGTACAT-3'
Protein context (NP_057021.2, residues 215-235): YHSQAVHIRP[Val225=]CRNARCTSIS